The following is an entry in ClinVar:

NM_001267550.2(TTN):c.85428A>G (p.Gln28476=)

Genes: TTN (titin; minus strand), TTN-AS1 (TTN antisense RNA 1; plus strand). Cytogenetic location: 2q31.2.
Variant type: single nucleotide variant.
Coding change: c.85428A>G on transcript NM_001267550.2 (MANE Select); coding-DNA position 85428, A replaced by G.
Protein change: p.Gln28476=; no amino-acid change (glutamine 28476 retained).
Molecular consequence: synonymous variant.
Genome position (GRCh38, 1-based): chr2:178,560,704, T>C on the plus strand (A>G on the coding strand, the complement: TTN is on the minus strand). VCF-style: chr2-178560704-T-C. GRCh37 (hg19) VCF-style: chr2-179425431-T-C.
Other names: c.80505A>G, p.Gln26835= (NM_001256850.1); c.58233A>G, p.Gln19411= (NM_003319.4); c.77724A>G, p.Gln25908= (NM_133378.4); c.58608A>G, p.Gln19536= (NM_133432.3); c.58809A>G, p.Gln19603= (NM_133437.4).
Identifiers: ClinVar variation 467569 (VCV000467569.32), dbSNP rs777939514, ClinGen allele CA60984697.

ClinVar aggregate classification (germline): Conflicting classifications of pathogenicity. Review status: criteria provided, conflicting classifications (1 of 4 stars). 3 submissions from 3 submitters: Uncertain significance (1); Likely benign (2). Last evaluated 2026-06-01.

Conditions:
Cardiovascular phenotype. Identifiers: MedGen CN230736.
Dilated cardiomyopathy 1G (CMD1G). Identifiers: Orphanet 154, MedGen C1858763, MONDO:0011400, OMIM 604145.
Autosomal recessive limb-girdle muscular dystrophy type 2J (LGMDR10). Also called: Limb-girdle muscular dystrophy, type 2J; MUSCULAR DYSTROPHY, LIMB-GIRDLE, AUTOSOMAL RECESSIVE 10. Identifiers: Orphanet 140922, MedGen C1837342, MONDO:0012127, OMIM 608807.

Allele frequency attached by ClinVar (database versions not stated): gnomAD exomes below 0.00001 and 0.00001; TOPMed 0.00001; gnomAD 0.00003.
gnomAD v4.1: 17 of 1,613,580 alleles (0.0011%); highest among the groups gnomAD compares: Non-Finnish European, 0.0014%; no homozygotes.

Submissions (3):

CeGaT Center for Human Genetics Tuebingen
Classification: Likely benign. Last evaluated: 2026-06-01. Review status: criteria provided, single submitter. Criteria: CeGaT Center For Human Genetics Tuebingen Variant Classification Criteria Version 2. Collection method: clinical testing. Allele origin: germline. Affected: yes. Observed: 2 variant alleles.
Comment: TTN: BP4, BP7

Ambry Genetics
Classification: Likely benign for Cardiovascular phenotype. Last evaluated: 2025-01-28. Review status: criteria provided, single submitter. Criteria: Ambry Variant Classification Scheme 2023. Collection method: clinical testing. Allele origin: germline.

Labcorp Genetics (formerly Invitae), Labcorp
Classification: Uncertain significance for Dilated cardiomyopathy 1G; Autosomal recessive limb-girdle muscular dystrophy type 2J. Last evaluated: 2017-05-24. Review status: criteria provided, single submitter. Criteria: Invitae Variant Classification Sherloc (09022015). Collection method: clinical testing. Allele origin: germline.